The following is an entry in ClinVar:

NM_001267550.2(TTN):c.34140A>G (p.Glu11380=)

Gene: TTN (titin; minus strand). Cytogenetic location: 2q31.2.
Variant type: single nucleotide variant.
Coding change: c.34140A>G on transcript NM_001267550.2 (MANE Select); coding-DNA position 34140, A replaced by G.
Protein change: p.Glu11380=; no amino-acid change (glutamic acid 11380 retained).
Molecular consequence: synonymous variant. On other transcripts: intron variant (3).
Genome position (GRCh38, 1-based): chr2:178,677,772, T>C on the plus strand (A>G on the coding strand, the complement: TTN is on the minus strand). VCF-style: chr2-178677772-T-C. GRCh37 (hg19) VCF-style: chr2-179542499-T-C.
Other names: p.=; c.33189A>G, p.Glu11063= (NM_001256850.1); c.30408A>G, p.Glu10136= (NM_133378.4); c.13283-35455A>G (NM_003319.4); c.13859-35455A>G (NM_133437.4); c.13658-35455A>G (NM_133432.3).
Identifiers: ClinVar variation 332883 (VCV000332883.63), dbSNP rs147418835, ClinGen allele CA1998133.

ClinVar aggregate classification (germline): Conflicting classifications of pathogenicity. Review status: criteria provided, conflicting classifications (1 of 4 stars). 13 submissions from 9 submitters: Uncertain significance (2); Benign (3); Likely benign (6). 2 of the submissions do not count toward it. Last evaluated 2026-06-01.

Conditions:
Dilated cardiomyopathy 1G (CMD1G). Identifiers: Orphanet 154, MedGen C1858763, MONDO:0011400, OMIM 604145.
Autosomal recessive limb-girdle muscular dystrophy type 2J (LGMDR10). Also called: MUSCULAR DYSTROPHY, LIMB-GIRDLE, AUTOSOMAL RECESSIVE 10; Limb-girdle muscular dystrophy, type 2J. Identifiers: Orphanet 140922, MedGen C1837342, MONDO:0012127, OMIM 608807.
Cardiomyopathy (CMYO). Also called: Cardiomyopathies. Identifiers: Orphanet 167848, MedGen C0878544, MONDO:0004994, HP:0001638. Inheritance: Various modes of inheritance.
Myopathy, myofibrillar, 9, with early respiratory failure (MFM9). Also called: Myopathy, distal, with early respiratory failure, autosomal dominant; EDSTROM MYOPATHY; Hereditary myopathy with early respiratory failure; MYOPATHY, PROXIMAL, WITH EARLY RESPIRATORY MUSCLE INVOLVEMENT. Identifiers: Orphanet 178464, Orphanet 34521, MedGen C1863599, MONDO:0011362, OMIM 603689.
Tibial muscular dystrophy (TMD). Also called: Udd Distal Myopathy – Tibial Muscular Dystrophy; UDD MYOPATHY; Tibial muscular dystrophy, tardive. Identifiers: Orphanet 609, MedGen C1838244, MONDO:0010870, OMIM 600334.
Early-onset myopathy with fatal cardiomyopathy (CMYO5). Also called: CONGENITAL MYOPATHY 5 WITH CARDIOMYOPATHY; Salih Myopathy. Identifiers: Orphanet 289377, MedGen C2673677, MONDO:0012714, OMIM 611705. Disease mechanism: loss of function.

Allele frequency attached by ClinVar (database versions not stated): ExAC 0.00001; ESP Exome Variant Server 0.00050; 1000 Genomes Project 0.00300.

Submissions (13):

CeGaT Center for Human Genetics Tuebingen
Classification: Likely benign. Last evaluated: 2026-06-01. Review status: criteria provided, single submitter. Criteria: CeGaT Center For Human Genetics Tuebingen Variant Classification Criteria Version 2. Collection method: clinical testing. Allele origin: germline. Affected: yes. Observed: 15 variant alleles.
Comment: TTN: PM2:Supporting, BP4, BP7

Labcorp Genetics (formerly Invitae), Labcorp
Classification: Likely benign for Dilated cardiomyopathy 1G; Autosomal recessive limb-girdle muscular dystrophy type 2J. Last evaluated: 2025-03-07. Review status: criteria provided, single submitter. Criteria: Invitae Variant Classification Sherloc (09022015). Collection method: clinical testing. Allele origin: germline.

Women's Health and Genetics/Laboratory Corporation of America, LabCorp
Classification: Likely benign. Last evaluated: 2024-06-17. Review status: criteria provided, single submitter. Criteria: LabCorp Variant Classification Summary - May 2015. Collection method: clinical testing. Allele origin: germline.

CHEO Genetics Diagnostic Laboratory, Children's Hospital of Eastern Ontario
Classification: Likely benign for Cardiomyopathy. Last evaluated: 2023-01-09. Review status: criteria provided, single submitter. Criteria: ACMG Guidelines, 2015. Collection method: clinical testing. Allele origin: germline.

Mayo Clinic Laboratories, Mayo Clinic
Classification: Likely benign. Last evaluated: 2018-07-20. Review status: criteria provided, single submitter. Criteria: ACMG Guidelines, 2015. Collection method: clinical testing. Allele origin: germline. Observed: 2 variant alleles.

Illumina Laboratory Services, Illumina
Classification: Likely benign for Dilated cardiomyopathy 1G. Last evaluated: 2018-01-12. Review status: criteria provided, single submitter. Criteria: ICSL Variant Classification Criteria 13 December 2019. Collection method: clinical testing. Allele origin: germline.
Comment: This variant was observed in the ICSL laboratory as part of a predisposition screen in an ostensibly healthy population. It had not been previously curated by ICSL or reported in the Human Gene Mutation Database (HGMD: prior to June 1st, 2018), and was therefore a candidate for classification through an automated scoring system. Utilizing variant allele frequency, disease prevalence and penetrance estimates, and inheritance mode, an automated score was calculated to assess if this variant is too frequent to cause the disease. Based on the score and internal cut-off values, a variant classified as likely benign is not then subjected to further curation. The score for this variant resulted in a classification of likely benign for this disease.

Illumina Laboratory Services, Illumina
Classification: Uncertain significance for Autosomal recessive limb-girdle muscular dystrophy type 2J. Last evaluated: 2018-01-12. Review status: criteria provided, single submitter. Criteria: ICSL Variant Classification Criteria 13 December 2019. Collection method: clinical testing. Allele origin: germline.

Illumina Laboratory Services, Illumina
Classification: Benign for Tibial muscular dystrophy. Last evaluated: 2018-01-12. Review status: criteria provided, single submitter. Criteria: ICSL Variant Classification Criteria 13 December 2019. Collection method: clinical testing. Allele origin: germline.
Comment: This variant was observed in the ICSL laboratory as part of a predisposition screen in an ostensibly healthy population. It had not been previously curated by ICSL or reported in the Human Gene Mutation Database (HGMD: prior to June 1st, 2018), and was therefore a candidate for classification through an automated scoring system. Utilizing variant allele frequency, disease prevalence and penetrance estimates, and inheritance mode, an automated score was calculated to assess if this variant is too frequent to cause the disease. Based on the score and internal cut-off values, a variant classified as benign is not then subjected to further curation. The score for this variant resulted in a classification of benign for this disease.

Illumina Laboratory Services, Illumina
Classification: Uncertain significance for Early-onset myopathy with fatal cardiomyopathy. Last evaluated: 2018-01-12. Review status: criteria provided, single submitter. Criteria: ICSL Variant Classification Criteria 13 December 2019. Collection method: clinical testing. Allele origin: germline.

Illumina Laboratory Services, Illumina
Classification: Benign for Myopathy, myofibrillar, 9, with early respiratory failure. Last evaluated: 2018-01-12. Review status: criteria provided, single submitter. Criteria: ICSL Variant Classification Criteria 13 December 2019. Collection method: clinical testing. Allele origin: germline.
Comment: the same text as in the submission from Illumina Laboratory Services, Illumina above.

Eurofins Ntd Llc (ga)
Classification: Benign. Last evaluated: 2017-05-23. Review status: criteria provided, single submitter. Criteria: EGL Classification Definitions 2015. Collection method: clinical testing. Allele origin: germline. Observed: 3 variant alleles, 2 heterozygotes.

Clinical Genetics DNA and cytogenetics Diagnostics Lab, Erasmus MC, Erasmus Medical Center
Classification: Likely benign. Review status: no assertion criteria provided. Collection method: clinical testing. Allele origin: germline. Affected: yes. Study: VKGL Data-share Consensus. Not counted in ClinVar's aggregate classification.

Joint Genome Diagnostic Labs from Nijmegen and Maastricht, Radboudumc and MUMC+
Classification: Benign. Review status: no assertion criteria provided. Collection method: clinical testing. Allele origin: germline. Affected: yes. Study: VKGL Data-share Consensus. Not counted in ClinVar's aggregate classification.